The following is an entry in ClinVar:

NM_033380.3(COL4A5):c.2171del (p.Pro724fs)

Gene: COL4A5 (collagen type IV alpha 5 chain; plus strand). Cytogenetic location: Xq22.3.
Variant type: Deletion.
Coding change: c.2171del on transcript NM_033380.3 (MANE Select); coding-DNA position 2171, one base deleted (C; older notation c.2171delC).
Protein change: p.Pro724fs; shifts the reading frame from proline 724.
Molecular consequence: frameshift variant.
Genome position (GRCh38, 1-based): chrX:108,602,988, C deleted; the last of 2 consecutive C bases (chrX:108,602,987-108,602,988); deleting either gives the same sequence. VCF-style (leftmost placement, unchanged base first): chrX-108602986-TC-T. GRCh37 (hg19) VCF-style: chrX-107846216-TC-T.
Other names: c.2171del, p.Pro724fs (NM_000495.5); short protein forms P724fs.
Identifiers: ClinVar variation 5012653 (VCV005012653.1).

ClinVar aggregate classification (germline): Pathogenic (1 of 4 stars; one submission).

Conditions:
X-linked Alport syndrome (ATS1). Also called: COL4A5-Related Nephropathy; NEPHROPATHY AND DEAFNESS, X-LINKED. Identifiers: Orphanet 63, Orphanet 88917, MedGen C4746986, MONDO:0010520, OMIM 301050.

Submission:

Myriad Genetics, Inc.
Classification: Pathogenic for X-linked Alport syndrome. Last evaluated: 2024-01-15. Review status: criteria provided, single submitter. Criteria: Myriad Autosomal Dominant, Autosomal Recessive and X-Linked Classification Criteria (2023). Collection method: clinical testing. Allele origin: unknown.
Comment: NM_000495.4(COL4A5):c.2171delC(P724Qfs*12) is expected to be pathogenic in the context of X-linked Alport syndrome. This variant is predicted to lead to an abnormal or absent protein product due to the creation of a premature termination codon in COL4A5, a gene where loss-of-function variants are known to be pathogenic. Please note: this variant was assessed in the context of healthy population screening.